The following is an entry in ClinVar:

ClinVar aggregate classification (germline): Uncertain significance (1 of 4 stars; one submission).

Conditions:
Diffuse cerebral and cerebellar atrophy - intractable seizures - progressive microcephaly syndrome. Also called: Microcephaly, progressive, with seizures and cerebral and cerebellar atrophy. Identifiers: Orphanet 404437, MedGen C4014239, MONDO:0014335, OMIM 615760.

Allele frequency attached by ClinVar (database versions not stated): ExAC 0.00001; gnomAD 0.00001; gnomAD exomes 0.00002; TOPMed 0.00002.

Submission:

Labcorp Genetics (formerly Invitae), Labcorp
Classification: Uncertain significance for Diffuse cerebral and cerebellar atrophy - intractable seizures - progressive microcephaly syndrome. Last evaluated: 2022-09-01. Review status: criteria provided, single submitter. Criteria: Invitae Variant Classification Sherloc (09022015). Collection method: clinical testing. Allele origin: germline.
Comment: This sequence change replaces arginine, which is basic and polar, with tryptophan, which is neutral and slightly polar, at codon 154 of the QARS protein (p.Arg154Trp). This variant is present in population databases (rs766000850, gnomAD 0.01%). This variant has not been reported in the literature in individuals affected with QARS-related conditions. ClinVar contains an entry for this variant (Variation ID: 959072). Algorithms developed to predict the effect of missense changes on protein structure and function (SIFT, PolyPhen-2, Align-GVGD) all suggest that this variant is likely to be disruptive. In summary, the available evidence is currently insufficient to determine the role of this variant in disease. Therefore, it has been classified as a Variant of Uncertain Significance.

NM_005051.3(QARS1):c.460C>T (p.Arg154Trp)

Gene: QARS1 (glutaminyl-tRNA synthetase 1; minus strand). Cytogenetic location: 3p21.31.
Variant type: single nucleotide variant.
Coding change: c.460C>T on transcript NM_005051.3 (MANE Select); coding-DNA position 460, C replaced by T.
Protein change: p.Arg154Trp; replaces arginine 154 with tryptophan.
Molecular consequence: missense variant. On other transcripts: non-coding transcript variant (1).
Genome position (GRCh38, 1-based): chr3:49,103,401, G>A on the plus strand (C>T on the coding strand, the complement: QARS1 is on the minus strand). VCF-style: chr3-49103401-G-A. GRCh37 (hg19) VCF-style: chr3-49140834-G-A.
Other names: c.427C>T, p.Arg143Trp (NM_001272073.2); short protein forms R143W, R154W.
Identifiers: ClinVar variation 959072 (VCV000959072.5), dbSNP rs766000850, ClinGen allele CA2392149.